The following is an entry in ClinVar:

NM_152490.5(B3GALNT2):c.815C>T (p.Ala272Val)

Gene: B3GALNT2 (beta-1,3-N-acetylgalactosaminyltransferase 2; minus strand). Cytogenetic location: 1q42.3.
Variant type: single nucleotide variant.
Coding change: c.815C>T on transcript NM_152490.5 (MANE Select); coding-DNA position 815, C replaced by T.
Protein change: p.Ala272Val; replaces alanine 272 with valine.
Molecular consequence: missense variant.
Genome position (GRCh38, 1-based): chr1:235,465,662, G>A on the plus strand (C>T on the coding strand, the complement: B3GALNT2 is on the minus strand). VCF-style: chr1-235465662-G-A. GRCh37 (hg19) VCF-style: chr1-235628979-G-A.
Other names: c.938C>T, p.Ala313Val (NM_001277155.3); short protein forms A272V, A313V.
Identifiers: ClinVar variation 635027 (VCV000635027.1), dbSNP rs1558417340, ClinGen allele CA344960949.
Genomic context (GRCh38, chr1:235,465,662, plus strand): 5'-AGTGTACTTTTCAAGTTTCAACTAGCAAACTTACCCTGAATAGTATATATAAAACCACCT[G>A]CAACTCCCTCCACACCTTCCAAGAATTCATGAGGCAATGCACCCTCCCCAGCCTGAAAGG-3'
Protein context (NP_689703.1, residues 262-282): HEFLEGVEGV[Ala272Val]GGFIYTIQEG

ClinVar aggregate classification (germline): Uncertain significance (1 of 4 stars; one submission).

Conditions:
Muscular dystrophy-dystroglycanopathy (congenital with brain and eye anomalies), type a, 11 (MDDGA11). Also called: Congenital muscular dystrophy-dystroglycanopathy with brain and eye anomalies, type A11; Muscular dystrophy-dystroglycanopathy (congenital with brain and eye anomalies, type A, 11; WALKER-WARBURG SYNDROME OR MUSCLE-EYE-BRAIN DISEASE, B3GALNT2-RELATED. Identifiers: Orphanet 588, Orphanet 899, MedGen C3554638, MONDO:0014071, OMIM 615181.

Submission:

Broad Center for Mendelian Genomics, Broad Institute of MIT and Harvard
Classification: Uncertain significance for Muscular dystrophy-dystroglycanopathy (congenital with brain and eye anomalies), type a, 11. Last evaluated: 2018-06-15. Review status: criteria provided, single submitter. Criteria: ACMG Guidelines, 2015. Collection method: research. Allele origin: germline. Inheritance: Autosomal recessive inheritance. Affected: yes. Clinical features observed: Abnormality of brain morphology.
Comment: The homozygous p.Ala272Val variant was identified by our study in two siblings with muscular dystrophy-dystroglycanopathy. This variant was absent from large population studies. The Alanine (Ala) at position 272 is highly conserved in mammals and evolutionarily distant species, raising the possibility that a change at this position may not be tolerated. Computational prediction tools do not provide strong support for or against an impact to the protein. In summary, the clinical significance of this variant is uncertain.